The following is an entry in ClinVar:

NM_000130.5(F5):c.3220A>G (p.Asn1074Asp)

Gene: F5 (coagulation factor V; minus strand). Cytogenetic location: 1q24.2.
Variant type: single nucleotide variant.
Coding change: c.3220A>G on transcript NM_000130.5 (MANE Select); coding-DNA position 3220, A replaced by G.
Protein change: p.Asn1074Asp; replaces asparagine 1074 with aspartic acid.
Molecular consequence: missense variant.
Genome position (GRCh38, 1-based): chr1:169,541,870, T>C on the plus strand (A>G on the coding strand, the complement: F5 is on the minus strand). VCF-style: chr1-169541870-T-C. GRCh37 (hg19) VCF-style: chr1-169511108-T-C.
Other names: short protein forms N1074D.
Identifiers: ClinVar variation 2639537 (VCV002639537.24), dbSNP rs369568295, ClinGen allele CA1233949.
Genomic context (GRCh38, chr1:169,541,870, plus strand): 5'-TCCAGCCAAAATCCATAGAGGGCAATGTCTGATTGAGGTCTGTGGGAAGAGATGTTTCAT[T>C]GGATTTATGAAGCACCAACGAATGCTTAAGTCTTCTTTCTGAAAATGTGTTGTAGGCTTC-3'
Protein context (NP_000121.2, residues 1064-1084): LKHSLVLHKS[Asn1074Asp]ETSLPTDLNQ

ClinVar aggregate classification (germline): Uncertain significance (1 of 4 stars; one submission).

Allele frequency attached by ClinVar (database versions not stated): gnomAD 0.00001; ESP Exome Variant Server 0.00008.
gnomAD v4.1: 72 of 1,613,988 alleles (0.0045%); highest among the groups gnomAD compares: Non-Finnish European, 0.0058%; no homozygotes.

Submission:

CeGaT Center for Human Genetics Tuebingen
Classification: Uncertain significance. Last evaluated: 2023-06-01. Review status: criteria provided, single submitter. Criteria: CeGaT Center For Human Genetics Tuebingen Variant Classification Criteria Version 2. Collection method: clinical testing. Allele origin: germline. Affected: yes. Observed: 1 variant allele.
Comment: F5: PM2, BP4